The following is an entry in ClinVar:

NM_016604.4(KDM3B):c.4733G>A (p.Gly1578Glu)

Gene: KDM3B (lysine demethylase 3B; plus strand). Cytogenetic location: 5q31.2.
Variant type: single nucleotide variant.
Coding change: c.4733G>A on transcript NM_016604.4 (MANE Select); coding-DNA position 4733, G replaced by A.
Protein change: p.Gly1578Glu; replaces glycine 1578 with glutamic acid.
Molecular consequence: missense variant.
Genome position (GRCh38, 1-based): chr5:138,428,066, G>A. VCF-style: chr5-138428066-G-A. GRCh37 (hg19) VCF-style: chr5-137763755-G-A.
Other names: c.4733G>A (NM_016604.3); short protein forms G1578E.
Identifiers: ClinVar variation 1356585 (VCV001356585.10), dbSNP rs1373005643, ClinGen allele CA361094474.

ClinVar aggregate classification (germline): Conflicting classifications of pathogenicity. Review status: criteria provided, conflicting classifications (1 of 4 stars). 3 submissions from 3 submitters: Uncertain significance (2); Likely benign (1). Last evaluated 2023-12-07.

Conditions:
Inborn genetic diseases. Identifiers: MedGen C0950123, MeSH D030342.

Allele frequency attached by ClinVar (database versions not stated): gnomAD exomes below 0.00001 and 0.00002; TOPMed below 0.00001; gnomAD 0.00001.
gnomAD v4.1: 14 of 1,613,844 alleles (0.00087%); highest among the groups gnomAD compares: Non-Finnish European, 0.0012%; 1 homozygote.

Submissions (3):

Blueprint Genetics
Classification: Likely benign. Last evaluated: 2023-12-07. Review status: criteria provided, single submitter. Criteria: ACMG Guidelines, 2015. Collection method: clinical testing. Allele origin: germline.

Ambry Genetics
Classification: Uncertain significance for Inborn genetic diseases. Last evaluated: 2023-03-28. Review status: criteria provided, single submitter. Criteria: Ambry Variant Classification Scheme 2023. Collection method: clinical testing. Allele origin: germline.

Labcorp Genetics (formerly Invitae), Labcorp
Classification: Uncertain significance. Last evaluated: 2021-12-28. Review status: criteria provided, single submitter. Criteria: Invitae Variant Classification Sherloc (09022015). Collection method: clinical testing. Allele origin: germline.
Comment: In summary, the available evidence is currently insufficient to determine the role of this variant in disease. Therefore, it has been classified as a Variant of Uncertain Significance. Algorithms developed to predict the effect of missense changes on protein structure and function are either unavailable or do not agree on the potential impact of this missense change (SIFT: "Deleterious"; PolyPhen-2: "Benign"; Align-GVGD: "Class C0"). This variant has not been reported in the literature in individuals affected with KDM3B-related conditions. This variant is present in population databases (no rsID available, gnomAD 0.0009%). This sequence change replaces glycine, which is neutral and non-polar, with glutamic acid, which is acidic and polar, at codon 1578 of the KDM3B protein (p.Gly1578Glu).